The following is an entry in ClinVar:

ClinVar aggregate classification (germline): Uncertain significance (1 of 4 stars; one submission).

gnomAD v4.1: 1 of 1,210,555 alleles (0.000083%); highest among the groups gnomAD compares: Admixed American, 0.0022%; no homozygotes.

Submission:

CeGaT Center for Human Genetics Tuebingen
Classification: Uncertain significance. Last evaluated: 2025-01-01. Review status: criteria provided, single submitter. Criteria: CeGaT Center For Human Genetics Tuebingen Variant Classification Criteria Version 2. Collection method: clinical testing. Allele origin: germline. Affected: yes. Observed: 1 variant allele.
Comment: HUWE1: PM2

NM_031407.7(HUWE1):c.3274A>G (p.Thr1092Ala)

Gene: HUWE1 (HECT, UBA and WWE domain containing E3 ubiquitin protein ligase 1; minus strand). Cytogenetic location: Xp11.22.
Variant type: single nucleotide variant.
Coding change: c.3274A>G on transcript NM_031407.7 (MANE Select); coding-DNA position 3274, A replaced by G.
Protein change: p.Thr1092Ala; replaces threonine 1092 with alanine.
Molecular consequence: missense variant.
Genome position (GRCh38, 1-based): chrX:53,595,293, T>C on the plus strand (A>G on the coding strand, the complement: HUWE1 is on the minus strand). VCF-style: chrX-53595293-T-C. GRCh37 (hg19) VCF-style: chrX-53622253-T-C.
Other names: short protein forms T1092A.
Identifiers: ClinVar variation 3772335 (VCV003772335.13).